The following is an entry in ClinVar:

ClinVar aggregate classification (germline): Uncertain significance (1 of 4 stars; one submission).

Submission:

Labcorp Genetics (formerly Invitae), Labcorp
Classification: Uncertain significance. Last evaluated: 2024-03-30. Review status: criteria provided, single submitter. Criteria: Invitae Variant Classification Sherloc (09022015). Collection method: clinical testing. Allele origin: germline.
Comment: This sequence change replaces aspartic acid, which is acidic and polar, with asparagine, which is neutral and polar, at codon 257 of the TWNK protein (p.Asp257Asn). This variant is not present in population databases (gnomAD no frequency). This variant has not been reported in the literature in individuals affected with TWNK-related conditions. Advanced modeling of protein sequence and biophysical properties (such as structural, functional, and spatial information, amino acid conservation, physicochemical variation, residue mobility, and thermodynamic stability) has been performed at Invitae for this missense variant, however the output from this modeling did not meet the statistical confidence thresholds required to predict the impact of this variant on TWNK protein function. In summary, the available evidence is currently insufficient to determine the role of this variant in disease. Therefore, it has been classified as a Variant of Uncertain Significance.

NM_021830.5(TWNK):c.769G>A (p.Asp257Asn)

Gene: TWNK (twinkle mtDNA helicase; plus strand). Cytogenetic location: 10q24.31.
Variant type: single nucleotide variant.
Coding change: c.769G>A on transcript NM_021830.5 (MANE Select); coding-DNA position 769, G replaced by A.
Protein change: p.Asp257Asn; replaces aspartic acid 257 with asparagine.
Molecular consequence: missense variant. On other transcripts: non-coding transcript variant (4), intron variant (3).
Genome position (GRCh38, 1-based): chr10:100,988,979, G>A. VCF-style: chr10-100988979-G-A. GRCh37 (hg19) VCF-style: chr10-102748736-G-A.
Other names: c.769G>A, p.Asp257Asn (NM_001163812.2); c.-119-665G>A (NM_001163814.2, NM_001163813.2); c.-57-727G>A (NM_001368275.1); short protein forms D257N.
Identifiers: ClinVar variation 3647460 (VCV003647460.2).